The following is an entry in ClinVar:

NM_002972.4(SBF1):c.1642A>G (p.Ile548Val)

Gene: SBF1 (SET binding factor 1; minus strand). Cytogenetic location: 22q13.33.
Variant type: single nucleotide variant.
Coding change: c.1642A>G on transcript NM_002972.4 (MANE Select); coding-DNA position 1642, A replaced by G.
Protein change: p.Ile548Val; replaces isoleucine 548 with valine.
Molecular consequence: missense variant.
Genome position (GRCh38, 1-based): chr22:50,464,436, T>C on the plus strand (A>G on the coding strand, the complement: SBF1 is on the minus strand). VCF-style: chr22-50464436-T-C. GRCh37 (hg19) VCF-style: chr22-50902865-T-C.
Other names: c.1645A>G, p.Ile549Val (NM_001365819.1); short protein forms I548V, I549V.
Identifiers: ClinVar variation 1162896 (VCV001162896.47), dbSNP rs374844148, ClinGen allele CA10317572.
Genomic context (GRCh38, chr22:50,464,436, plus strand): 5'-TGCGCACAACCTCCAGCCGCCGGGCGCTGTTGACATGCAGCCCACTGCACCGCTCCAGTA[T>C]GGCAGCTGCGGGGACAGAATACACACACTCGGACCCCTGACCCCACGCCCATCCTGGGCC-3'
Protein context (NP_002963.2, residues 538-558): TVPSGPPMTA[Ile548Val]LERCSGLHVN

ClinVar aggregate classification (germline): Uncertain significance. Review status: criteria provided, multiple submitters, no conflicts (2 of 4 stars). 5 submissions from 5 submitters: Uncertain significance (5). Last evaluated 2024-08-21.

Allele frequency attached by ClinVar (database versions not stated): TOPMed below 0.00001; gnomAD exomes 0.00001; ExAC 0.00002; gnomAD 0.00002; ESP Exome Variant Server 0.00008.
gnomAD v4.1: 22 of 1,613,210 alleles (0.0014%); highest among the groups gnomAD compares: Non-Finnish European, 0.0018%; no homozygotes.

Submissions (5):

Labcorp Genetics (formerly Invitae), Labcorp
Classification: Uncertain significance. Last evaluated: 2024-08-21. Review status: criteria provided, single submitter. Criteria: Invitae Variant Classification Sherloc (09022015). Collection method: clinical testing. Allele origin: germline.
Comment: This sequence change replaces isoleucine, which is neutral and non-polar, with valine, which is neutral and non-polar, at codon 548 of the SBF1 protein (p.Ile548Val). This variant is present in population databases (rs374844148, gnomAD 0.002%). This variant has not been reported in the literature in individuals affected with SBF1-related conditions. ClinVar contains an entry for this variant (Variation ID: 1162896). Invitae Evidence Modeling of protein sequence and biophysical properties (such as structural, functional, and spatial information, amino acid conservation, physicochemical variation, residue mobility, and thermodynamic stability) indicates that this missense variant is not expected to disrupt SBF1 protein function with a negative predictive value of 80%. In summary, the available evidence is currently insufficient to determine the role of this variant in disease. Therefore, it has been classified as a Variant of Uncertain Significance.

Ambry Genetics
Classification: Uncertain significance. Last evaluated: 2023-05-05. Review status: criteria provided, single submitter. Criteria: Ambry Variant Classification Scheme 2023. Collection method: clinical testing. Allele origin: germline.

CeGaT Center for Human Genetics Tuebingen
Classification: Uncertain significance. Last evaluated: 2021-11-01. Review status: criteria provided, single submitter. Criteria: CeGaT Center For Human Genetics Tuebingen Variant Classification Criteria Version 2. Collection method: clinical testing. Allele origin: germline. Affected: yes. Observed: 1 variant allele.

GeneDx
Classification: Uncertain significance. Last evaluated: 2021-02-25. Review status: criteria provided, single submitter. Criteria: GeneDx Variant Classification Process June 2021. Collection method: clinical testing. Allele origin: germline. Affected: yes.
Comment: Not observed at a significant frequency in large population cohorts (Lek et al., 2016); In silico analysis supports that this missense variant does not alter protein structure/function; Has not been previously published as pathogenic or benign to our knowledge

Mayo Clinic Laboratories, Mayo Clinic
Classification: Uncertain significance. Last evaluated: 2021-02-03. Review status: criteria provided, single submitter. Criteria: ACMG Guidelines, 2015. Collection method: clinical testing. Allele origin: germline. Observed: 1 variant allele.